The following is an entry in ClinVar:

NM_022100.3(MRPS14):c.270G>A (p.Arg90=)

Gene: MRPS14 (mitochondrial ribosomal protein S14; minus strand). Cytogenetic location: 1q25.1.
Variant type: single nucleotide variant.
Coding change: c.270G>A on transcript NM_022100.3 (MANE Select); coding-DNA position 270, G replaced by A.
Protein change: p.Arg90=; no amino-acid change (arginine 90 retained).
Molecular consequence: synonymous variant. On other transcripts: non-coding transcript variant (1).
Genome position (GRCh38, 1-based): chr1:175,014,786, C>T on the plus strand (G>A on the coding strand, the complement: MRPS14 is on the minus strand). VCF-style: chr1-175014786-C-T. GRCh37 (hg19) VCF-style: chr1-174983922-C-T.
Identifiers: ClinVar variation 4085521 (VCV004085521.8).
Genomic context (GRCh38, chr1:175,014,786, plus strand): 5'-GACTATACGACTAAGCCTCCAGCGCCGCTTCACACCACGCGGACGGGACGTCATAACACA[C>T]CGATTTCTGATTCTAACAGGACAGCTATCCCGGGGGAGGGCAGCAATTTCTTCATCAGCC-3'
Protein context (NP_071383.1, residues 80-100): RDSCPVRIRN[Arg90=]CVMTSRPRGV

ClinVar aggregate classification (germline): Likely benign (1 of 4 stars; one submission).

Submission:

CeGaT Center for Human Genetics Tuebingen
Classification: Likely benign. Last evaluated: 2025-07-01. Review status: criteria provided, single submitter. Criteria: CeGaT Center For Human Genetics Tuebingen Variant Classification Criteria Version 2. Collection method: clinical testing. Allele origin: germline. Affected: yes. Observed: 1 variant allele.
Comment: MRPS14: PM2:Supporting, BP4, BP7